The following is an entry in ClinVar:

NM_000113.3(TOR1A):c.562G>A (p.Asp188Asn)

Gene: TOR1A (torsin family 1 member A; minus strand). Cytogenetic location: 9q34.11.
Variant type: single nucleotide variant.
Coding change: c.562G>A on transcript NM_000113.3 (MANE Select); coding-DNA position 562, G replaced by A.
Protein change: p.Asp188Asn; replaces aspartic acid 188 with asparagine.
Molecular consequence: missense variant.
Genome position (GRCh38, 1-based): chr9:129,818,803, C>T on the plus strand (G>A on the coding strand, the complement: TOR1A is on the minus strand). VCF-style: chr9-129818803-C-T. GRCh37 (hg19) VCF-style: chr9-132581082-C-T.
Other names: short protein forms D188N.
Identifiers: ClinVar variation 4806711 (VCV004806711.1).

ClinVar aggregate classification (germline): Uncertain significance (1 of 4 stars; one submission).

Conditions:
Dystonic disorder. Also called: Dystonia. Identifiers: MedGen C0013421, MONDO:0003441, HP:0001332.

gnomAD v4.1: 13 of 1,613,452 alleles (0.00081%); highest among the groups gnomAD compares: South Asian, 0.0055%; no homozygotes.

Submission:

Labcorp Genetics (formerly Invitae), Labcorp
Classification: Uncertain significance for Dystonic disorder. Last evaluated: 2025-12-09. Review status: criteria provided, single submitter. Criteria: Invitae Variant Classification Sherloc (09022015). Collection method: clinical testing. Allele origin: germline.
Comment: This sequence change replaces aspartic acid, which is acidic and polar, with asparagine, which is neutral and polar, at codon 188 of the TOR1A protein (p.Asp188Asn). This variant is not present in population databases (gnomAD no frequency). This variant has not been reported in the literature in individuals affected with TOR1A-related conditions. Invitae Evidence Modeling of protein sequence and biophysical properties (such as structural, functional, and spatial information, amino acid conservation, physicochemical variation, residue mobility, and thermodynamic stability) indicates that this missense variant is not expected to disrupt TOR1A protein function with a negative predictive value of 80%. In summary, the available evidence is currently insufficient to determine the role of this variant in disease. Therefore, it has been classified as a Variant of Uncertain Significance.